The following is an entry in ClinVar:

ClinVar aggregate classification (germline): Pathogenic (1 of 4 stars; one submission).

Submission:

Labcorp Genetics (formerly Invitae), Labcorp
Classification: Pathogenic. Last evaluated: 2025-02-25. Review status: criteria provided, single submitter. Criteria: Invitae Variant Classification Sherloc (09022015). Collection method: clinical testing. Allele origin: germline.
Comment: This sequence change replaces glycine, which is neutral and non-polar, with valine, which is neutral and non-polar, at codon 457 of the KRT10 protein (p.Gly457Val). This variant is not present in population databases (gnomAD no frequency). This missense change has been observed in individual(s) with autosomal dominant ichthyosis with confetti and/or harlequin ichthyosis (PMID: 20798280; internal data). In at least one individual the variant was observed to be de novo. Invitae Evidence Modeling of protein sequence and biophysical properties (such as structural, functional, and spatial information, amino acid conservation, physicochemical variation, residue mobility, and thermodynamic stability) indicates that this missense variant is not expected to disrupt KRT10 protein function with a negative predictive value of 80%. Algorithms developed to predict the effect of sequence changes on RNA splicing suggest that this variant may disrupt the consensus splice site. For these reasons, this variant has been classified as Pathogenic.

Literature cited by the submitters: PubMed 20798280.

NM_000421.5(KRT10):c.1370G>T (p.Gly457Val)

Genes: KRT10 (keratin 10; minus strand), KRT10-AS1 (KRT10 antisense RNA 1; plus strand). Cytogenetic location: 17q21.2.
Variant type: single nucleotide variant.
Coding change: c.1370G>T on transcript NM_000421.5 (MANE Select); coding-DNA position 1370, G replaced by T.
Protein change: p.Gly457Val; replaces glycine 457 with valine.
Molecular consequence: missense variant.
Genome position (GRCh38, 1-based): chr17:40,819,520, C>A on the plus strand (G>T on the coding strand, the complement: KRT10 is on the minus strand). VCF-style: chr17-40819520-C-A. GRCh37 (hg19) VCF-style: chr17-38975772-C-A.
Other names: c.1370G>T, p.Gly457Val (NM_001379366.1); short protein forms G457V.
Identifiers: ClinVar variation 4710372 (VCV004710372.1).